The following is an entry in ClinVar:

ClinVar aggregate classification (germline): Uncertain significance (1 of 4 stars; one submission).

Allele frequency attached by ClinVar (database versions not stated): gnomAD exomes 0.00001.
gnomAD v4.1: 14 of 1,613,962 alleles (0.00087%); highest among the groups gnomAD compares: East Asian, 0.0067%; no homozygotes.

Submission:

Labcorp Genetics (formerly Invitae), Labcorp
Classification: Uncertain significance. Last evaluated: 2021-07-18. Review status: criteria provided, single submitter. Criteria: Invitae Variant Classification Sherloc (09022015). Collection method: clinical testing. Allele origin: germline.
Comment: This sequence change replaces proline with leucine at codon 367 of the MAK protein (p.Pro367Leu). The proline residue is weakly conserved and there is a moderate physicochemical difference between proline and leucine. This variant is present in population databases (rs776680313, ExAC 0.01%). This variant has not been reported in the literature in individuals affected with MAK-related conditions. Experimental studies and prediction algorithms are not available or were not evaluated, and the functional significance of this variant is currently unknown. In summary, the available evidence is currently insufficient to determine the role of this variant in disease. Therefore, it has been classified as a Variant of Uncertain Significance.

NM_001242957.3(MAK):c.1100C>T (p.Pro367Leu)

Gene: MAK (male germ cell associated kinase; minus strand). Cytogenetic location: 6p24.2.
Variant type: single nucleotide variant.
Coding change: c.1100C>T on transcript NM_001242957.3 (MANE Select); coding-DNA position 1100, C replaced by T.
Protein change: p.Pro367Leu; replaces proline 367 with leucine.
Molecular consequence: missense variant. On other transcripts: non-coding transcript variant (2).
Genome position (GRCh38, 1-based): chr6:10,796,041, G>A on the plus strand (C>T on the coding strand, the complement: MAK is on the minus strand). VCF-style: chr6-10796041-G-A. GRCh37 (hg19) VCF-style: chr6-10796274-G-A.
Other names: c.1100C>T, p.Pro367Leu (NM_001242385.2, NM_005906.6); c.998C>T, p.Pro333Leu (NM_001377262.1); short protein forms P333L, P367L.
Identifiers: ClinVar variation 1352894 (VCV001352894.3), dbSNP rs776680313, ClinGen allele CA3633557.